The following is an entry in ClinVar:

ClinVar aggregate classification (germline): Uncertain significance. Review status: criteria provided, multiple submitters, no conflicts (2 of 4 stars). 2 submissions from 2 submitters: Uncertain significance (2). Last evaluated 2024-11-05.

Conditions:
Cornelia de Lange syndrome 3 (CDLS3). Also called: SMC3-Related Cornelia de Lange Syndrome; CORNELIA DE LANGE SYNDROME 3 WITH OR WITHOUT MIDLINE BRAIN DEFECTS. Identifiers: Orphanet 199, MedGen C1853099, MONDO:0012555, OMIM 610759.

Allele frequency attached by ClinVar (database versions not stated): gnomAD 0.00001.

Submissions (2):

Labcorp Genetics (formerly Invitae), Labcorp
Classification: Uncertain significance for Cornelia de Lange syndrome 3. Last evaluated: 2024-11-05. Review status: criteria provided, single submitter. Criteria: Invitae Variant Classification Sherloc (09022015). Collection method: clinical testing. Allele origin: germline.
Comment: This sequence change replaces aspartic acid, which is acidic and polar, with glycine, which is neutral and non-polar, at codon 884 of the SMC3 protein (p.Asp884Gly). This variant is not present in population databases (gnomAD no frequency). This variant has not been reported in the literature in individuals affected with SMC3-related conditions. ClinVar contains an entry for this variant (Variation ID: 2114185). Invitae Evidence Modeling of protein sequence and biophysical properties (such as structural, functional, and spatial information, amino acid conservation, physicochemical variation, residue mobility, and thermodynamic stability) has been performed for this missense variant. However, the output from this modeling did not meet the statistical confidence thresholds required to predict the impact of this variant on SMC3 protein function. In summary, the available evidence is currently insufficient to determine the role of this variant in disease. Therefore, it has been classified as a Variant of Uncertain Significance.

GeneDx
Classification: Uncertain significance. Last evaluated: 2024-10-07. Review status: criteria provided, single submitter. Criteria: GeneDx Variant Classification Process June 2021. Collection method: clinical testing. Allele origin: germline. Affected: yes.
Comment: Not observed at significant frequency in large population cohorts (gnomAD); In silico analysis supports that this missense variant has a deleterious effect on protein structure/function; Has not been previously published as pathogenic or benign to our knowledge

NM_005445.4(SMC3):c.2651A>G (p.Asp884Gly)

Gene: SMC3 (structural maintenance of chromosomes 3; plus strand). Cytogenetic location: 10q25.2.
Variant type: single nucleotide variant.
Coding change: c.2651A>G on transcript NM_005445.4 (MANE Select); coding-DNA position 2651, A replaced by G.
Protein change: p.Asp884Gly; replaces aspartic acid 884 with glycine.
Molecular consequence: missense variant.
Genome position (GRCh38, 1-based): chr10:110,601,643, A>G. VCF-style: chr10-110601643-A-G. GRCh37 (hg19) VCF-style: chr10-112361401-A-G.
Other names: short protein forms D884G.
Identifiers: ClinVar variation 2114185 (VCV002114185.5), dbSNP rs1861388870, ClinGen allele CA378393372.